The following is an entry in ClinVar:

ClinVar aggregate classification (germline): Uncertain significance. Review status: criteria provided, multiple submitters, no conflicts (2 of 4 stars). 4 submissions from 4 submitters: Uncertain significance (4). Last evaluated 2026-02-10.

Conditions:
Dilated cardiomyopathy 1JJ (CMD1JJ). Identifiers: Orphanet 154, MedGen C3808935, MONDO:0014095, OMIM 615235.
Cardiovascular phenotype. Identifiers: MedGen CN230736.

Allele frequency attached by ClinVar (database versions not stated): gnomAD exomes 0.00003 and 0.00002; TOPMed 0.00013; ESP Exome Variant Server 0.00008; 1000 Genomes Project 30x 0.00016; 1000 Genomes Project 0.00020; gnomAD 0.00014 and 0.00013; ExAC 0.00002.
gnomAD v4.1: 47 of 1,614,124 alleles (0.0029%); highest among the groups gnomAD compares: African/African-American, 0.052%; no homozygotes.

Submissions (4):

GeneDx
Classification: Uncertain significance. Last evaluated: 2026-02-10. Review status: criteria provided, single submitter. Criteria: GeneDx Variant Classification Process June 2021. Collection method: clinical testing. Allele origin: germline.
Comment: In silico analysis supports that this missense variant has a deleterious effect on protein structure/function; Has not been previously published as pathogenic or benign to our knowledge

Labcorp Genetics (formerly Invitae), Labcorp
Classification: Uncertain significance for Dilated cardiomyopathy 1JJ. Last evaluated: 2026-01-15. Review status: criteria provided, single submitter. Criteria: Invitae Variant Classification Sherloc (09022015). Collection method: clinical testing. Allele origin: germline.
Comment: This sequence change replaces glycine, which is neutral and non-polar, with arginine, which is basic and polar, at codon 297 of the LAMA4 protein (p.Gly297Arg). This variant is present in population databases (rs191391557, gnomAD 0.05%). This variant has not been reported in the literature in individuals affected with LAMA4-related conditions. ClinVar contains an entry for this variant (Variation ID: 1018260). Invitae Evidence Modeling of protein sequence and biophysical properties (such as structural, functional, and spatial information, amino acid conservation, physicochemical variation, residue mobility, and thermodynamic stability) indicates that this missense variant is expected to disrupt LAMA4 protein function with a positive predictive value of 80%. In summary, the available evidence is currently insufficient to determine the role of this variant in disease. Therefore, it has been classified as a Variant of Uncertain Significance.

Ambry Genetics
Classification: Uncertain significance for Cardiovascular phenotype. Last evaluated: 2025-06-30. Review status: criteria provided, single submitter. Criteria: Ambry Variant Classification Scheme 2023. Collection method: clinical testing. Allele origin: germline.
Comment: The p.G297R variant (also known as c.889G>A), located in coding exon 7 of the LAMA4 gene, results from a G to A substitution at nucleotide position 889. The glycine at codon 297 is replaced by arginine, an amino acid with dissimilar properties. This amino acid position is highly conserved in available vertebrate species. In addition, the in silico prediction for this alteration is inconclusive. Since supporting evidence is limited at this time, the clinical significance of this alteration remains unclear.

Fulgent Genetics
Classification: Uncertain significance for Dilated cardiomyopathy 1JJ. Last evaluated: 2021-08-09. Review status: criteria provided, single submitter. Criteria: ACMG Guidelines, 2015. Collection method: clinical testing. Allele origin: unknown.

NM_001105206.3(LAMA4):c.910G>A (p.Gly304Arg)

Gene: LAMA4 (laminin subunit alpha 4; minus strand). Cytogenetic location: 6q21.
Variant type: single nucleotide variant.
Coding change: c.910G>A on transcript NM_001105206.3 (MANE Select); coding-DNA position 910, G replaced by A.
Protein change: p.Gly304Arg; replaces glycine 304 with arginine.
Molecular consequence: missense variant.
Genome position (GRCh38, 1-based): chr6:112,187,506, C>T on the plus strand (G>A on the coding strand, the complement: LAMA4 is on the minus strand). VCF-style: chr6-112187506-C-T. GRCh37 (hg19) VCF-style: chr6-112508708-C-T.
Other names: c.889G>A, p.Gly297Arg (NM_001105207.3, NM_002290.5); short protein forms G297R, G304R.
Identifiers: ClinVar variation 1018260 (VCV001018260.15), dbSNP rs191391557, ClinGen allele CA3965993.
Genomic context (GRCh38, chr6:112,187,506, plus strand): 5'-GTACTTTGAGGAGGTAGATGGTGGCGTTGATTTCATTCACGTGCCTATGAGCGGCGGCCC[C>T]AGAGGATACGCTCAGCACCCCGGATTTGCCTTCCTCGATGGAGAGCGCTGCTAACCGCAG-3'
Protein context (NP_001098676.2, residues 294-314): GKSGVLSVSS[Gly304Arg]AAAHRHVNEI